The following is an entry in ClinVar:

ClinVar aggregate classification (germline): Likely pathogenic (1 of 4 stars; one submission).

Conditions:
Charcot-Marie-Tooth disease. Also called: Charcot-Marie-Tooth Neuropathy; Charcot-Marie-Tooth Hereditary Neuropathy. Identifiers: Orphanet 166, MedGen C0007959, MONDO:0015626.

Submission:

Laboratory of Functional Genomics, Research Centre for Medical Genetics
Classification: Likely pathogenic for Charcot-Marie-Tooth disease. Last evaluated: 2026-11-11. Review status: criteria provided, single submitter. Criteria: ACMG Guidelines, 2015. Collection method: curation. Allele origin: unknown. Inheritance: X-linked inheritance. Affected: yes. Observed: 2 variant alleles, 2 hemizygotes.
Comment: The DRP2 NM_001939.2:c.559+3_559+16del variant is absent from gnomAD v4 (PM2_Supporting). RNA analysis of patient-derived PBMCs demonstrated aberrant splicing with exon 6 skipping, resulting in a frameshift and a premature termination codon predicted to trigger NMD, although experimental images were not provided. PVS1_Strong (RNA) was applied according to Walker et al. (2023). PS4_Supporting may also be considered based on the identification of the variant in two unrelated probands with a consistent CMT phenotype, although no formal case-control analysis was performed. The variant is classified as Likely Pathogenic (PM2_Supporting, PVS1_Strong, PS4_Supporting).

Literature cited by the submitters: DOI 10.1212/WNL.0000000000209174; DOI 10.1016/j.ajhg.2023.06.002.

NM_001939.3(DRP2):c.559+3_559+16del

Gene: DRP2 (dystrophin related protein 2; plus strand). Cytogenetic location: Xq22.1.
Variant type: Deletion.
Coding change: c.559+3_559+16del on transcript NM_001939.3 (MANE Select); bases 3 to 16 of the intron after coding-DNA position 559, 14 bases deleted (AGGTGGTCTTCTGT).
Molecular consequence: splice donor variant.
Genome position (GRCh38, 1-based): chrX:101,239,104-101,239,117, AGGTGGTCTTCTGT deleted; deleting any 14 consecutive bases within chrX:101,239,102-101,239,117 gives the same sequence; the c. name uses the placement nearest the transcript's 3' end. VCF-style (leftmost placement, unchanged base first): chrX-101239101-GGTAGGTGGTCTTCT-G. GRCh37 (hg19) VCF-style: chrX-100494090-GGTAGGTGGTCTTCT-G.
Other names: c.325+3_325+16del (NM_001171184.2).
Identifiers: ClinVar variation 5043367 (VCV005043367.1).